The following is an entry in ClinVar:

ClinVar aggregate classification (germline): Uncertain significance. Review status: criteria provided, multiple submitters, no conflicts (2 of 4 stars). 2 submissions from 2 submitters: Uncertain significance (2). Last evaluated 2021-09-13.

Conditions:
Severe combined immunodeficiency due to DNA-PKcs deficiency. Also called: Immunodeficiency 26 with or without neurologic abnormalities; IMMUNODEFICIENCY 26 WITH NEUROLOGIC ABNORMALITIES. Identifiers: Orphanet 317425, MedGen C4014833, MONDO:0014423, OMIM 615966.

Allele frequency attached by ClinVar (database versions not stated): gnomAD exomes below 0.00001; ExAC 0.00001.
gnomAD v4.1: 1 of 1,555,232 alleles (0.000064%); highest among the groups gnomAD compares: East Asian, 0.0023%; no homozygotes.

Submissions (2):

Ambry Genetics
Classification: Uncertain significance. Last evaluated: 2021-09-13. Review status: criteria provided, single submitter. Criteria: Ambry Variant Classification Scheme 2023. Collection method: clinical testing. Allele origin: germline.
Comment: The p.A751T variant (also known as c.2251G>A), located in coding exon 20 of the PRKDC gene, results from a G to A substitution at nucleotide position 2251. The alanine at codon 751 is replaced by threonine, an amino acid with similar properties. This amino acid position is conserved. In addition, this alteration is predicted to be tolerated by in silico analysis. Since supporting evidence is limited at this time, the clinical significance of this alteration remains unclear.

Labcorp Genetics (formerly Invitae), Labcorp
Classification: Uncertain significance for Severe combined immunodeficiency due to DNA-PKcs deficiency. Last evaluated: 2020-02-22. Review status: criteria provided, single submitter. Criteria: Invitae Variant Classification Sherloc (09022015). Collection method: clinical testing. Allele origin: germline.
Comment: This sequence change replaces alanine with threonine at codon 751 of the PRKDC protein (p.Ala751Thr). The alanine residue is highly conserved and there is a small physicochemical difference between alanine and threonine. This variant is present in population databases (rs774703460, ExAC 0.01%). This variant has not been reported in the literature in individuals with PRKDC-related conditions. Algorithms developed to predict the effect of missense changes on protein structure and function are either unavailable or do not agree on the potential impact of this missense change (SIFT: "Deleterious"; PolyPhen-2: "Possibly Damaging"; Align-GVGD: "Class C0"). In summary, the available evidence is currently insufficient to determine the role of this variant in disease. Therefore, it has been classified as a Variant of Uncertain Significance.

NM_006904.7(PRKDC):c.2251G>A (p.Ala751Thr)

Gene: PRKDC (protein kinase, DNA-activated, catalytic subunit; minus strand). Cytogenetic location: 8q11.21.
Variant type: single nucleotide variant.
Coding change: c.2251G>A on transcript NM_006904.7 (MANE Select); coding-DNA position 2251, G replaced by A.
Protein change: p.Ala751Thr; replaces alanine 751 with threonine.
Molecular consequence: missense variant.
Genome position (GRCh38, 1-based): chr8:47,927,779, C>T on the plus strand (G>A on the coding strand, the complement: PRKDC is on the minus strand). VCF-style: chr8-47927779-C-T. GRCh37 (hg19) VCF-style: chr8-48840339-C-T.
Other names: c.2251G>A, p.Ala751Thr (NM_001081640.2); short protein forms A751T.
Identifiers: ClinVar variation 858792 (VCV000858792.10), dbSNP rs774703460, ClinGen allele CA4741502.